The following is an entry in ClinVar:

ClinVar aggregate classification (germline): Likely pathogenic. Review status: criteria provided, single submitter (1 of 4 stars). 2 submissions from 2 submitters: Likely pathogenic (1). 1 of the submissions does not count toward it. Last evaluated 2026-05-04.

Conditions:
ACTC1-related disorder. Also called: ACTC1-related condition.
Atrial septal defect 5 (ASD5). Identifiers: Orphanet 1478, MedGen C2748552, MONDO:0013011, OMIM 612794.

Submissions (2):

Greenwood Genetic Center Diagnostic Laboratories, Greenwood Genetic Center
Classification: Likely pathogenic for ACTC1-related disorder. Last evaluated: 2026-05-04. Review status: criteria provided, single submitter. Criteria: ACMG Guidelines, 2015. Collection method: clinical testing. Allele origin: germline. Affected: yes.
Comment: PS3_Moderate, PS4_Supporting, PM2, PP2

OMIM
Classification: Pathogenic for ATRIAL SEPTAL DEFECT 5. Last evaluated: 2008-01-15. Review status: no assertion criteria provided. Collection method: literature only. Allele origin: germline. Not counted in ClinVar's aggregate classification.

Literature cited by the submitters: PubMed 17947298 (cited by OMIM).

NM_005159.5(ACTC1):c.373A>G (p.Met125Val)

Genes: GJD2-DT (GJD2 divergent transcript; plus strand), ACTC1 (actin alpha cardiac muscle 1; minus strand). Cytogenetic location: 15q14.
Variant type: single nucleotide variant.
Coding change: c.373A>G on transcript NM_005159.5 (MANE Select); coding-DNA position 373, A replaced by G.
Protein change: p.Met125Val; replaces methionine 125 with valine.
Molecular consequence: missense variant.
Genome position (GRCh38, 1-based): chr15:34,793,326, T>C on the plus strand (A>G on the coding strand, the complement: ACTC1 is on the minus strand). VCF-style: chr15-34793326-T-C. GRCh37 (hg19) VCF-style: chr15-35085527-T-C.
Other names: M123V; c.373A>G, p.Met125Val (LRG_388t1); short protein forms M125V.
Identifiers: ClinVar variation 18327 (VCV000018327.3), dbSNP rs121912677, ClinGen allele CA019762.